The following is an entry in ClinVar:

NM_176824.3(BBS7):c.1038-6del

Gene: BBS7 (Bardet-Biedl syndrome 7; minus strand). Cytogenetic location: 4q27.
Variant type: Deletion.
Coding change: c.1038-6del on transcript NM_176824.3 (MANE Select); 6 bases into the intron before coding-DNA position 1038, one base deleted (C; older notation c.1038-6delC).
Molecular consequence: intron variant.
Genome position (GRCh38, 1-based): chr4:121,845,702, G deleted on the plus strand (C on the coding strand, the reverse complement: BBS7 is on the minus strand). VCF-style (leftmost placement, unchanged base first): chr4-121845701-AG-A. GRCh37 (hg19) VCF-style: chr4-122766856-AG-A.
Other names: c.1038-6del (NM_018190.4).
Identifiers: ClinVar variation 3356787 (VCV003356787.1).

ClinVar aggregate classification (germline): Likely benign (0 of 4 stars; one submission).

Conditions:
BBS7-related disorder. Also called: BBS7-related condition.

Submission:

PreventionGenetics, part of Exact Sciences
Classification: Likely benign for BBS7-related condition. Last evaluated: 2023-05-30. Review status: no assertion criteria provided. Collection method: clinical testing. Allele origin: germline.
Comment: This variant is classified as likely benign based on ACMG/AMP sequence variant interpretation guidelines (Richards et al. 2015 PMID: 25741868, with internal and published modifications).